The following is an entry in ClinVar:

NM_033225.6(CSMD1):c.7243G>C (p.Asp2415His)

Gene: CSMD1 (CUB and Sushi multiple domains 1; minus strand). Cytogenetic location: 8p23.2.
Variant type: single nucleotide variant.
Coding change: c.7243G>C on transcript NM_033225.6 (MANE Select); coding-DNA position 7243, G replaced by C.
Protein change: p.Asp2415His; replaces aspartic acid 2415 with histidine.
Molecular consequence: missense variant.
Genome position (GRCh38, 1-based): chr8:3,091,558, C>G on the plus strand (G>C on the coding strand, the complement: CSMD1 is on the minus strand). VCF-style: chr8-3091558-C-G. GRCh37 (hg19) VCF-style: chr8-2949080-C-G.
Other names: short protein forms D2415H.
Identifiers: ClinVar variation 4978028 (VCV004978028.1).
Genomic context (GRCh38, chr8:3,091,558, plus strand): 5'-TAAACCTCATTTACTTACCTGCATAGCGAATCTTGAATCCTTTCTTACTGGTGGCATGGT[C>G]AGTGGACCAGCGGAGATATAACTGATTACTCCTGCTTGTAAAATTTGATTGTTCAGTATG-3'
Protein context (NP_150094.5, residues 2405-2425): SNQLYLRWST[Asp2415His]HATSKKGFKI

ClinVar aggregate classification (germline): Uncertain significance (1 of 4 stars; one submission).

Conditions:
CSMD1-related disorder. Also called: CSMD1-related condition.

gnomAD v4.1: 5 of 1,609,992 alleles (0.00031%); highest among the groups gnomAD compares: Non-Finnish European, 0.00034%; no homozygotes.

Submission:

PreventionGenetics, part of Exact Sciences
Classification: Uncertain significance for CSMD1-related condition. Last evaluated: 2025-11-10. Review status: criteria provided, single submitter. Criteria: ACMG Guidelines, 2015. Collection method: clinical testing. Allele origin: germline.
Comment: The CSMD1 c.7243G>C variant is predicted to result in the amino acid substitution p.Asp2415His. To our knowledge, this variant has not been reported in the literature. This variant is reported in 0.00089% of alleles in individuals of European (Non-Finnish) descent in gnomAD. At this time, the clinical significance of this variant is uncertain due to the absence of conclusive functional and genetic evidence.